The following is an entry in ClinVar:

NM_004415.4(DSP):c.2546A>G (p.Tyr849Cys)

Gene: DSP (desmoplakin; plus strand). Cytogenetic location: 6p24.3.
Variant type: single nucleotide variant.
Coding change: c.2546A>G on transcript NM_004415.4 (MANE Select); coding-DNA position 2546, A replaced by G.
Protein change: p.Tyr849Cys; replaces tyrosine 849 with cysteine.
Molecular consequence: missense variant.
Genome position (GRCh38, 1-based): chr6:7,575,404, A>G. VCF-style: chr6-7575404-A-G. GRCh37 (hg19) VCF-style: chr6-7575637-A-G.
Other names: c.2546A>G, p.Tyr849Cys (NM_001008844.3, NM_001319034.2); c.2546A>G (NM_004415.3); short protein forms Y849C.
Identifiers: ClinVar variation 228637 (VCV000228637.26), dbSNP rs778636665, ClinGen allele CA033863.

ClinVar aggregate classification (germline): Conflicting classifications of pathogenicity. Review status: criteria provided, conflicting classifications (1 of 4 stars). 7 submissions from 7 submitters: Uncertain significance (6); Likely benign (1). Last evaluated 2026-06-09.

Conditions:
DSP-related disorder. Also called: DSP-related condition; DSP-related disorders.
Cardiovascular phenotype. Identifiers: MedGen CN230736.
Arrhythmogenic right ventricular dysplasia 8 (ARVD8). Also called: Arrhythmogenic Right Ventricular Dysplasia/Cardiomyopathy 8; ARRHYTHMOGENIC RIGHT VENTRICULAR DYSPLASIA, FAMILIAL, 8; ARRHYTHMOGENIC RIGHT VENTRICULAR CARDIOMYOPATHY 8. Identifiers: MedGen C1843896, MONDO:0011831, OMIM 607450.
Arrhythmogenic cardiomyopathy with wooly hair and keratoderma. Also called: Carvajal syndrome; Dilated cardiomyopathy with woolly hair and keratoderma; Arrhythmogenic cardiomyopathy with woolly hair and keratoderma; PALMOPLANTAR KERATODERMA WITH LEFT VENTRICULAR CARDIOMYOPATHY AND WOOLLY HAIR. Identifiers: Orphanet 65282, MedGen C1854063, MONDO:0011581, OMIM 605676.
Cardiomyopathy (CMYO). Also called: Cardiomyopathies. Identifiers: Orphanet 167848, MedGen C0878544, MONDO:0004994, HP:0001638. Inheritance: Various modes of inheritance.

Allele frequency attached by ClinVar (database versions not stated): gnomAD 0.00003; TOPMed 0.00003; gnomAD exomes 0.00007 and 0.00018; ExAC 0.00011.
gnomAD v4.1: 270 of 1,614,056 alleles (0.017%); highest among the groups gnomAD compares: Non-Finnish European, 0.022%; no homozygotes.

Submissions (7):

PreventionGenetics, part of Exact Sciences
Classification: Uncertain significance for DSP-related condition. Last evaluated: 2026-06-09. Review status: criteria provided, single submitter. Criteria: ACMG Guidelines, 2015. Collection method: clinical testing. Allele origin: germline.
Comment: The DSP c.2546A>G variant is predicted to result in the amino acid substitution p.Tyr849Cys. This variant has been reported in a cohort of individuals with peripartum cardiomyopathy, however detailed phenotypic information or inheritance information was not provided (Table S3, Goli et al. 2021. PubMed ID: 33874732). This variant is reported in 0.014% of alleles in individuals of European (Non-Finnish) descent in gnomAD. At this time, the clinical significance of this variant is uncertain due to the absence of conclusive functional and genetic evidence.

Labcorp Genetics (formerly Invitae), Labcorp
Classification: Likely benign for Arrhythmogenic cardiomyopathy with wooly hair and keratoderma; Arrhythmogenic right ventricular dysplasia 8. Last evaluated: 2026-01-26. Review status: criteria provided, single submitter. Criteria: Invitae Variant Classification Sherloc (09022015). Collection method: clinical testing. Allele origin: germline.

Ambry Genetics
Classification: Uncertain significance for Cardiovascular phenotype. Last evaluated: 2025-02-25. Review status: criteria provided, single submitter. Criteria: Ambry Variant Classification Scheme 2023. Collection method: clinical testing. Allele origin: germline.
Comment: The p.Y849C variant (also known as c.2546A>G), located in coding exon 18 of the DSP gene, results from an A to G substitution at nucleotide position 2546. The tyrosine at codon 849 is replaced by cysteine, an amino acid with highly dissimilar properties. This variant was reported in individual(s) with features consistent with dilated cardiomyopathy and peripartum cardiomyopathy (Goli R et al. Circulation, 2021 May;143:1852-1862; Ambry internal data). This amino acid position is not well conserved in available vertebrate species. In addition, this alteration is predicted to be tolerated by in silico analysis. Based on the available evidence, the clinical significance of this variant remains unclear.

All of Us Research Program, National Institutes of Health
Classification: Uncertain significance for Arrhythmogenic cardiomyopathy with wooly hair and keratoderma. Last evaluated: 2024-09-23. Review status: criteria provided, single submitter. Criteria: ACMG Guidelines, 2015. Collection method: clinical testing. Allele origin: germline. Inheritance: Autosomal dominant inheritance. Observed: 26 variant alleles, 26 heterozygotes.
Comment: This missense variant replaces tyrosine with cysteine at codon 849 of the DSP protein. Computational prediction suggests that this variant may not impact protein structure and function (internally defined REVEL score threshold <= 0.5, PMID: 27666373). To our knowledge, functional studies have not been reported for this variant. This variant has not been reported in individuals affected with cardiovascular disorders in the literature. This variant has been identified in 17/251430 chromosomes in the general population by the Genome Aggregation Database (gnomAD). The available evidence is insufficient to determine the role of this variant in disease conclusively. Therefore, this variant is classified as a Variant of Uncertain Significance.

This study involves interpretation of variants in research participants for the purpose of population health screening. Participant phenotype was not available at the time of variant classification. Additional details can be found in publication PMID: 35346344, PMCID: PMC8962531

Color Diagnostics, LLC DBA Color Health
Classification: Uncertain significance for Cardiomyopathy. Last evaluated: 2024-07-24. Review status: criteria provided, single submitter. Criteria: ACMG Guidelines, 2015. Collection method: clinical testing. Allele origin: germline.
Comment: This missense variant replaces tyrosine with cysteine at codon 849 of the DSP protein. Computational prediction suggests that this variant may not impact protein structure and function. To our knowledge, functional studies have not been reported for this variant. This variant has not been reported in individuals affected with cardiovascular disorders in the literature. This variant has been identified in 17/251430 chromosomes in the general population by the Genome Aggregation Database (gnomAD). The available evidence is insufficient to determine the role of this variant in disease conclusively. Therefore, this variant is classified as a Variant of Uncertain Significance.

GeneDx
Classification: Uncertain significance. Last evaluated: 2016-11-22. Review status: criteria provided, single submitter. Criteria: GeneDx Variant Classification (06012015). Collection method: clinical testing. Allele origin: germline. Affected: yes.
Comment: A variant of uncertain significance has been identified in the DSP gene. The Y849C variant has not been published as a pathogenic variant, nor has it been reported as a benign variant to our knowledge. The Y849C variant was not observed in approximately 6500 individuals of European and African American ancestry in the NHLBI Exome Sequencing Project, indicating it is not a common benign variant in these populations. The Y849C variant is a non-conservative amino acid substitution, which is likely to impact secondary protein structure as these residues differ in polarity, charge, size and/or other properties. Although this substitution occurs at a position that is conserved in mammals, C849 is wild type at this position in multiple non-mammalian species. In silico analysis is inconsistent in its predictions as to whether or not the variant is damaging to the protein structure/function.

Laboratory for Molecular Medicine, Mass General Brigham Personalized Medicine
Classification: Uncertain significance. Last evaluated: 2015-08-24. Review status: criteria provided, single submitter. Criteria: LMM Criteria. Collection method: clinical testing. Allele origin: germline. Observed: 1 variant allele.
Comment: The p.Tyr849Cys variant in DSP has not been previously reported in individuals w ith cardiomyopathy, but has been identified in 12/66738 European chromosomes by the Exome Aggregation Consortium (ExAC; dbSNP rs 778636665). Tyrosine (Tyr) at position 849 is not conserved in mammals or evolut ionarily distant species and 1 mammal (opossum) and several fish species carry a cysteine (Cys) at this position, raising the possibility that this change may b e tolerated. In summary, the clinical significance of the p.Tyr849Cys variant is uncertain.

Literature cited by the submitters: PubMed 33874732 (cited by Ambry Genetics).